The following is an entry in ClinVar:

ClinVar aggregate classification (germline): Uncertain significance (1 of 4 stars; one submission).

Conditions:
Cardiovascular phenotype. Identifiers: MedGen CN230736.
Hereditary cancer-predisposing syndrome. Also called: Hereditary Cancer Syndrome; Hereditary neoplastic syndrome; Neoplastic Syndromes, Hereditary; Tumor predisposition. Identifiers: Orphanet 140162, MedGen C0027672, MeSH D009386, MONDO:0015356.

Submission:

Ambry Genetics
Classification: Uncertain significance for Cardiovascular phenotype; Hereditary cancer-predisposing syndrome. Last evaluated: 2020-08-27. Review status: criteria provided, single submitter. Criteria: Ambry Variant Classification Scheme 2023. Collection method: clinical testing. Allele origin: germline.
Comment: The p.R314G variant (also known as c.940A>G), located in coding exon 9 of the NF1 gene, results from an A to G substitution at nucleotide position 940. The arginine at codon 314 is replaced by glycine, an amino acid with dissimilar properties. This amino acid position is well conserved in available vertebrate species. In addition, the in silico prediction for this alteration is inconclusive. Since supporting evidence is limited at this time, the clinical significance of this alteration remains unclear.

NM_001042492.3(NF1):c.940A>G (p.Arg314Gly)

Gene: NF1 (neurofibromin 1; plus strand). Cytogenetic location: 17q11.2.
Variant type: single nucleotide variant.
Coding change: c.940A>G on transcript NM_001042492.3 (MANE Select); coding-DNA position 940, A replaced by G.
Protein change: p.Arg314Gly; replaces arginine 314 with glycine.
Molecular consequence: missense variant.
Genome position (GRCh38, 1-based): chr17:31,200,473, A>G. VCF-style: chr17-31200473-A-G. GRCh37 (hg19) VCF-style: chr17-29527491-A-G.
Other names: c.940A>G, p.Arg314Gly (NM_000267.4, NM_001128147.3); short protein forms R314G.
Identifiers: ClinVar variation 1766871 (VCV001766871.2), dbSNP rs2143872731, ClinGen allele CA398995755.